The following is an entry in ClinVar:

ClinVar aggregate classification (germline): Uncertain significance. Review status: criteria provided, multiple submitters, no conflicts (2 of 4 stars). 2 submissions from 2 submitters: Uncertain significance (2). Last evaluated 2025-02-23.

Conditions:
Neurodegeneration with brain iron accumulation 6 (NBIA6). Also called: COASY protein-associated neurodegeneration. Identifiers: Orphanet 397725, MedGen C4517377, MONDO:0014290, OMIM 615643.

Allele frequency attached by ClinVar (database versions not stated): ExAC 0.00001; gnomAD exomes 0.00001 and 0.00002.
gnomAD v4.1: 12 of 1,613,832 alleles (0.00074%); highest among the groups gnomAD compares: African/African-American, 0.0013%; no homozygotes.

Submissions (2):

Ambry Genetics
Classification: Uncertain significance. Last evaluated: 2025-02-23. Review status: criteria provided, single submitter. Criteria: Ambry Variant Classification Scheme 2023. Collection method: clinical testing. Allele origin: germline.

Labcorp Genetics (formerly Invitae), Labcorp
Classification: Uncertain significance for Neurodegeneration with brain iron accumulation 6. Last evaluated: 2022-06-24. Review status: criteria provided, single submitter. Criteria: Invitae Variant Classification Sherloc (09022015). Collection method: clinical testing. Allele origin: germline.
Comment: In summary, the available evidence is currently insufficient to determine the role of this variant in disease. Therefore, it has been classified as a Variant of Uncertain Significance. Algorithms developed to predict the effect of missense changes on protein structure and function are either unavailable or do not agree on the potential impact of this missense change (SIFT: "Deleterious"; PolyPhen-2: "Probably Damaging"; Align-GVGD: "Class C0"). This variant has not been reported in the literature in individuals affected with COASY-related conditions. This variant is present in population databases (rs768990950, gnomAD 0.01%). This sequence change replaces valine, which is neutral and non-polar, with methionine, which is neutral and non-polar, at codon 114 of the COASY protein (p.Val114Met).

NM_025233.7(COASY):c.340G>A (p.Val114Met)

Gene: COASY (Coenzyme A synthase; plus strand). Cytogenetic location: 17q21.2.
Variant type: single nucleotide variant.
Coding change: c.340G>A on transcript NM_025233.7 (MANE Select); coding-DNA position 340, G replaced by A.
Protein change: p.Val114Met; replaces valine 114 with methionine.
Molecular consequence: missense variant.
Genome position (GRCh38, 1-based): chr17:42,562,962, G>A. VCF-style: chr17-42562962-G-A. GRCh37 (hg19) VCF-style: chr17-40714980-G-A.
Other names: c.340G>A, p.Val114Met (NM_001042529.3); c.427G>A, p.Val143Met (NM_001042532.4); c.427G>A (NM_001042532.2); short protein forms V143M, V114M.
Identifiers: ClinVar variation 1518372 (VCV001518372.7), dbSNP rs768990950, ClinGen allele CA8577961.